The following is an entry in ClinVar:

NM_001002294.3(FMO3):c.805dup (p.Tyr269fs)

Gene: FMO3 (flavin containing dimethylaniline monoxygenase 3; plus strand). Cytogenetic location: 1q24.3.
Variant type: Duplication.
Coding change: c.805dup on transcript NM_001002294.3 (MANE Select); coding-DNA position 805, one base duplicated (T; older notation c.805dupT).
Protein change: p.Tyr269fs; shifts the reading frame from tyrosine 269.
Molecular consequence: frameshift variant.
Genome position (GRCh38, 1-based): chr1:171,110,975, T duplicated. VCF-style (leftmost placement, unchanged base first): chr1-171110974-C-CT. GRCh37 (hg19) VCF-style: chr1-171080115-C-CT.
Other names: c.745dup, p.Tyr249fs (NM_001319173.2); c.616dup, p.Tyr206fs (NM_001319174.2); c.805dup, p.Tyr269fs (NM_006894.6); short protein forms Y269fs, Y206fs, Y249fs.
Identifiers: ClinVar variation 5003994 (VCV005003994.1).
Genomic context (GRCh38, chr1:171,110,974, plus strand): 5'-GACAGCCATCTCTGACTGGTTGTACGTGAAGCAGATGAATGCAAGATTCAAGCATGAAAA[C>CT]TATGGCTTGATGCCTTTAAATGGGTAATGCAGAGCTAAACGTGATATGCCTGCTGGCTTT-3'

ClinVar aggregate classification (germline): Pathogenic (1 of 4 stars; one submission).

Conditions:
Trimethylaminuria (TMAU). Also called: Primary Trimethylaminuria; Fish malodor syndrome; Stale fish syndrome; TMAuria; FISH-ODOR SYNDROME. Identifiers: MedGen C0342739, MONDO:0011182, OMIM 602079, HP:0003614. Disease mechanism: loss of function.

Submission:

Myriad Genetics, Inc.
Classification: Pathogenic for Trimethylaminuria. Last evaluated: 2026-08-04. Review status: criteria provided, single submitter. Criteria: Myriad Autosomal Dominant, Autosomal Recessive and X-Linked Classification Criteria (2023). Collection method: clinical testing. Allele origin: unknown.
Comment: NM_001002294.2(FMO3):c.805dupT(Y269Lfs*17) is a frameshift variant classified as pathogenic in the context of primary trimethylaminuria. Y269Lfs*17 has not been observed in cases with relevant disease. Relevant functional assessments of this variant are not available in the literature. Y269Lfs*17 has not been observed in referenced population frequency databases. In summary, NM_001002294.2(FMO3):c.805dupT(Y269Lfs*17) is a frameshift variant in a gene where loss of function is a known mechanism of disease and is predicted to disrupt protein function. Please note: this variant was assessed in the context of healthy population screening.